The following is an entry in ClinVar:

NM_000558.5(HBA1):c.129C>A (p.Tyr43Ter)

Genes: HBA1 (hemoglobin subunit alpha 1; plus strand), LOC106804613 (hemoglobin subunit alpha 1 recombination region; plus strand). Cytogenetic location: 16p13.3.
Variant type: single nucleotide variant.
Coding change: c.129C>A on transcript NM_000558.5 (MANE Select); coding-DNA position 129, C replaced by A.
Protein change: p.Tyr43Ter; replaces tyrosine 43 with a stop codon.
Molecular consequence: nonsense.
Genome position (GRCh38, 1-based): chr16:176,962, C>A. VCF-style: chr16-176962-C-A. GRCh37 (hg19) VCF-style: chr16-226961-C-A.
Other names: short protein forms Y43*.
Identifiers: ClinVar variation 4814369 (VCV004814369.1).

ClinVar aggregate classification (germline): Likely pathogenic (1 of 4 stars; one submission).

Conditions:
alpha Thalassemia. Also called: Alpha thalassemia spectrum. Identifiers: Orphanet 846, MedGen C0002312, MONDO:0011399, OMIM 604131.

Submission:

Natera, Inc.
Classification: Likely pathogenic for Alpha thalassemia. Last evaluated: 2026-01-23. Review status: criteria provided, single submitter. Criteria: Natera Variant Classification Schema (03/2026). Collection method: clinical testing. Allele origin: germline.
Comment: The c.129C>A variant in HBA1 is a nonsense variant predicted to introduce a stop codon at amino acid 43. This variant is expected to result in nonsense mediated decay, truncation, or a dysfunctional protein product. This variant is rare in the general population with a frequency below the threshold expected for the associated phenotype(s). Given the available evidence, this variant is classified as Likely Pathogenic.